The following is an entry in ClinVar:

NM_001042492.3(NF1):c.2010dup (p.Ala671fs)

Gene: NF1 (neurofibromin 1; plus strand). Cytogenetic location: 17q11.2.
Variant type: Duplication.
Coding change: c.2010dup on transcript NM_001042492.3 (MANE Select); coding-DNA position 2010, one base duplicated (A; older notation c.2010dupA).
Protein change: p.Ala671fs; shifts the reading frame from alanine 671.
Molecular consequence: frameshift variant.
Genome position (GRCh38, 1-based): chr17:31,226,443, A duplicated. VCF-style (leftmost placement, unchanged base first): chr17-31226442-C-CA. GRCh37 (hg19) VCF-style: chr17-29553460-C-CA.
Other names: c.2010dup, p.Ala671Serfs (NM_000267.4); c.2010dupA (NM_000267.3); short protein forms A671fs.
Identifiers: ClinVar variation 1456536 (VCV001456536.7), dbSNP rs2151425531, ClinGen allele CA2573153254.

ClinVar aggregate classification (germline): Pathogenic. Review status: criteria provided, multiple submitters, no conflicts (2 of 4 stars). 2 submissions from 2 submitters: Pathogenic (2). Last evaluated 2025-09-17.

Conditions:
Cardiovascular phenotype. Identifiers: MedGen CN230736.
Hereditary cancer-predisposing syndrome. Also called: Hereditary Cancer Syndrome; Hereditary neoplastic syndrome; Tumor predisposition; Neoplastic Syndromes, Hereditary. Identifiers: Orphanet 140162, MedGen C0027672, MeSH D009386, MONDO:0015356.
Neurofibromatosis, type 1 (NF1). Also called: Neurofibromatosis, type I; VON RECKLINGHAUSEN DISEASE; NEUROFIBROMATOSIS, TYPE I, SOMATIC; Peripheral type neurofibromatosis. Identifiers: Orphanet 636, MedGen C0027831, MONDO:0018975, OMIM 162200. Disease mechanism: loss of function.

Submissions (2):

Ambry Genetics
Classification: Pathogenic for Cardiovascular phenotype; Hereditary cancer-predisposing syndrome. Last evaluated: 2025-09-17. Review status: criteria provided, single submitter. Criteria: Ambry Variant Classification Scheme 2023. Collection method: clinical testing. Allele origin: germline.
Comment: The c.2010dupA pathogenic mutation, located in coding exon 18 of the NF1 gene, results from a duplication of A at nucleotide position 2010, causing a translational frameshift with a predicted alternate stop codon (p.A671Sfs*29). This variant was reported in individual(s) with features consistent with neurofibromatosis type 1 (Ambry internal data). This variant is considered to be rare based on population cohorts in the Genome Aggregation Database (gnomAD). This alteration is expected to result in loss of function by premature protein truncation or nonsense-mediated mRNA decay. As such, this alteration is interpreted as a disease-causing mutation.

Labcorp Genetics (formerly Invitae), Labcorp
Classification: Pathogenic for Neurofibromatosis, type 1. Last evaluated: 2021-11-01. Review status: criteria provided, single submitter. Criteria: Invitae Variant Classification Sherloc (09022015). Collection method: clinical testing. Allele origin: germline.
Comment: For these reasons, this variant has been classified as Pathogenic. This variant has not been reported in the literature in individuals affected with NF1-related conditions. This variant is not present in population databases (gnomAD no frequency). This sequence change creates a premature translational stop signal (p.Ala671Serfs*29) in the NF1 gene. It is expected to result in an absent or disrupted protein product. Loss-of-function variants in NF1 are known to be pathogenic (PMID: 10712197, 23913538).

Literature cited by the submitters: PubMed 10712197 (cited by Labcorp Genetics (formerly Invitae), Labcorp); PubMed 23913538 (cited by Labcorp Genetics (formerly Invitae), Labcorp).